The following is an entry in ClinVar:

ClinVar aggregate classification (germline): Uncertain significance (1 of 4 stars; one submission).

Submission:

Labcorp Genetics (formerly Invitae), Labcorp
Classification: Uncertain significance. Last evaluated: 2023-07-29. Review status: criteria provided, single submitter. Criteria: Invitae Variant Classification Sherloc (09022015). Collection method: clinical testing. Allele origin: germline.
Comment: In summary, the available evidence is currently insufficient to determine the role of this variant in disease. Therefore, it has been classified as a Variant of Uncertain Significance. Advanced modeling of protein sequence and biophysical properties (such as structural, functional, and spatial information, amino acid conservation, physicochemical variation, residue mobility, and thermodynamic stability) performed at Invitae indicates that this missense variant is expected to disrupt CAPN5 protein function. This sequence change replaces tryptophan, which is neutral and slightly polar, with cysteine, which is neutral and slightly polar, at codon 363 of the CAPN5 protein (p.Trp363Cys). This variant is not present in population databases (gnomAD no frequency). This variant has not been reported in the literature in individuals affected with CAPN5-related conditions.

NM_004055.5(CAPN5):c.1089G>T (p.Trp363Cys)

Gene: CAPN5 (calpain 5; plus strand). Cytogenetic location: 11q13.5.
Variant type: single nucleotide variant.
Coding change: c.1089G>T on transcript NM_004055.5 (MANE Select); coding-DNA position 1089, G replaced by T.
Protein change: p.Trp363Cys; replaces tryptophan 363 with cysteine.
Molecular consequence: missense variant.
Genome position (GRCh38, 1-based): chr11:77,118,274, G>T. VCF-style: chr11-77118274-G-T. GRCh37 (hg19) VCF-style: chr11-76829320-G-T.
Other names: c.1209G>T, p.Trp403Cys (NM_001425321.1); c.1089G>T, p.Trp363Cys (NM_001425322.1); c.957G>T, p.Trp319Cys (NM_001425323.1); short protein forms W363C, W403C, W319C.
Identifiers: ClinVar variation 2796272 (VCV002796272.3), dbSNP rs1555042104, ClinGen allele CA381941561.